The following is an entry in ClinVar:

NM_000044.6(AR):c.1769G>A (p.Gly590Glu)

Gene: AR (androgen receptor; plus strand). Cytogenetic location: Xq12.
Variant type: single nucleotide variant.
Coding change: c.1769G>A on transcript NM_000044.6 (MANE Select); coding-DNA position 1769, G replaced by A.
Protein change: p.Gly590Glu; replaces glycine 590 with glutamic acid.
Molecular consequence: missense variant. On other transcripts: synonymous variant (1).
Genome position (GRCh38, 1-based): chrX:67,686,010, G>A. VCF-style: chrX-67686010-G-A. GRCh37 (hg19) VCF-style: chrX-66905852-G-A.
Other names: c.173G>A, p.Gly58Glu (NM_001011645.3); c.1769G>A, p.Gly590Glu (NM_001348061.1, NM_001348063.1); c.1686G>A, p.Arg562= (NM_001348064.1); short protein forms G58E, G590E.
Identifiers: ClinVar variation 3893234 (VCV003893234.1).

ClinVar aggregate classification (germline): Likely pathogenic (1 of 4 stars; one submission).

Conditions:
Androgen resistance syndrome (AIS). Also called: ANDROGEN RECEPTOR DEFICIENCY; DIHYDROTESTOSTERONE RECEPTOR DEFICIENCY; TESTICULAR FEMINIZATION SYNDROME; Androgen insensitivity syndrome; Androgen insensitivity, complete; DHTR DEFICIENCY. Identifiers: Orphanet 754, Orphanet 99429, MedGen C0039585, MONDO:0019154, OMIM 300068. Disease mechanism: loss of function.

Submission:

Illumina Laboratory Services, Illumina
Classification: Likely pathogenic for Androgen resistance syndrome. Last evaluated: 2023-10-09. Review status: criteria provided, single submitter. Criteria: ICSLVariantClassificationCriteria RUGD 01 April 2020. Collection method: clinical testing. Allele origin: unknown.
Comment: The AR c.1769G>A, p.(Gly590Glu), missense variant is located at the exon/intron boundary of exon 3 and may result in splicing defects, however the effect of this change on splicing has not been directly tested at this time. The variant is located within the DNA-binding domain of the androgen receptor protein (PMID: 22334387). To our knowledge, this variant has not been reported in the peer-reviewed literature, however a different amino acid substitution at the same codon, p.(Gly590Arg), has been reported in an individual with partial androgen insensitivity syndrome (PMID: 33750429). This variant is not observed in version 2.1.1 or version 3.1.2 of the Genome Aggregation Database. Multiple lines of computational evidence suggest the variant may impact the gene or gene product. Based on the available evidence the c.1769G>A, p.(Gly590Glu) variant is classified as likely pathogenic for androgen insensitivity syndrome.

Literature cited by the submitters: PubMed 22334387; PubMed 33750429.